The following is an entry in ClinVar:

NM_004655.4(AXIN2):c.639_641del (p.Gly214del)

Gene: AXIN2 (axin 2; minus strand). Cytogenetic location: 17q24.1.
Variant type: Deletion.
Coding change: c.639_641del on transcript NM_004655.4 (MANE Select); coding-DNA positions 639 to 641, 3 bases deleted (GGG; older notation c.639_641delGGG).
Protein change: p.Gly214del; deletes glycine 214.
Molecular consequence: inframe deletion.
Genome position (GRCh38, 1-based): chr17:65,557,980-65,557,982, CCC deleted on the plus strand (GGG on the coding strand, the reverse complement: AXIN2 is on the minus strand); deleting any 3 consecutive bases within chr17:65,557,980-65,557,984 gives the same sequence; the c. name uses the placement nearest the transcript's 3' end. VCF-style (leftmost placement, unchanged base first): chr17-65557979-TCCC-T. GRCh37 (hg19) VCF-style: chr17-63554097-TCCC-T.
Other names: c.639_641del, p.Gly214del (NM_001363813.1); short protein forms G214del.
Identifiers: ClinVar variation 955015 (VCV000955015.9), dbSNP rs2044296320, ClinGen allele CA1139665840.

ClinVar aggregate classification (germline): Uncertain significance (1 of 4 stars; one submission).

Conditions:
Oligodontia-cancer predisposition syndrome. Also called: TOOTH AGENESIS-COLORECTAL CANCER SYNDROME. Identifiers: Orphanet 300576, MedGen C1837750, MONDO:0012075, OMIM 608615. Disease mechanism: loss of function.

Submission:

Labcorp Genetics (formerly Invitae), Labcorp
Classification: Uncertain significance for Oligodontia-cancer predisposition syndrome. Last evaluated: 2020-05-20. Review status: criteria provided, single submitter. Criteria: Invitae Variant Classification Sherloc (09022015). Collection method: clinical testing. Allele origin: germline.
Comment: In summary, the available evidence is currently insufficient to determine the role of this variant in disease. Therefore, it has been classified as a Variant of Uncertain Significance. Experimental studies and prediction algorithms are not available or were not evaluated, and the functional significance of this variant is currently unknown. This variant has not been reported in the literature in individuals with AXIN2-related conditions. This variant is not present in population databases (ExAC no frequency). This variant, c.639_641del, results in the deletion of 1 amino acid(s) of the AXIN2 protein (p.Gly214del), but otherwise preserves the integrity of the reading frame.